The following is an entry in ClinVar:

ClinVar aggregate classification (germline): Uncertain significance (1 of 4 stars; one submission).

Conditions:
Osteogenesis imperfecta type 8 (OI8). Identifiers: MedGen C1970458, MONDO:0012581, OMIM 610915.

Allele frequency attached by ClinVar (database versions not stated): TOPMed below 0.00001; gnomAD 0.00001.
gnomAD v4.1: 1 of 1,614,034 alleles (0.000062%); highest among the groups gnomAD compares: Non-Finnish European, 0.000085%; no homozygotes.

Submission:

Labcorp Genetics (formerly Invitae), Labcorp
Classification: Uncertain significance for Osteogenesis imperfecta type 8. Last evaluated: 2023-08-10. Review status: criteria provided, single submitter. Criteria: Invitae Variant Classification Sherloc (09022015). Collection method: clinical testing. Allele origin: germline.
Comment: This sequence change replaces asparagine, which is neutral and polar, with lysine, which is basic and polar, at codon 313 of the P3H1 protein (p.Asn313Lys). This variant has not been reported in the literature in individuals affected with P3H1-related conditions. This variant is present in population databases (no rsID available, gnomAD 0.007%). In summary, the available evidence is currently insufficient to determine the role of this variant in disease. Therefore, it has been classified as a Variant of Uncertain Significance. An algorithm developed to predict the effect of missense changes on protein structure and function (PolyPhen-2) suggests that this variant is likely to be tolerated. ClinVar contains an entry for this variant (Variation ID: 1046674).

NM_022356.4(P3H1):c.939C>G (p.Asn313Lys)

Gene: P3H1 (prolyl 3-hydroxylase 1; minus strand). Cytogenetic location: 1p34.2.
Variant type: single nucleotide variant.
Coding change: c.939C>G on transcript NM_022356.4 (MANE Select); coding-DNA position 939, C replaced by G.
Protein change: p.Asn313Lys; replaces asparagine 313 with lysine.
Molecular consequence: missense variant.
Genome position (GRCh38, 1-based): chr1:42,758,853, G>C on the plus strand (C>G on the coding strand, the complement: P3H1 is on the minus strand). VCF-style: chr1-42758853-G-C. GRCh37 (hg19) VCF-style: chr1-43224524-G-C.
Other names: c.939C>G, p.Asn313Lys (NM_001146289.2, NM_001243246.2); short protein forms N313K.
Identifiers: ClinVar variation 1046674 (VCV001046674.9), dbSNP rs1373305113, ClinGen allele CA339959319.
Genomic context (GRCh38, chr1:42,758,853, plus strand): 5'-ACCTTGCCTTTAGCTTCTTAGTTAGCCAGCAGAGAAAGAGGAAGGAAAGTAGGCCTTACT[G>C]TTATAGTAGGCAAACTGCAGATAATTATAATGCGATGGGAGGAAGTCTTCAAAGGGCTTC-3'
Protein context (NP_071751.3, residues 303-323): HYNYLQFAYY[Asn313Lys]IGNYTQAVEC